The following is an entry in ClinVar:

NM_014714.4(IFT140):c.3390C>T (p.Ser1130=)

Gene: IFT140 (intraflagellar transport 140; minus strand). Cytogenetic location: 16p13.3.
Variant type: single nucleotide variant.
Coding change: c.3390C>T on transcript NM_014714.4 (MANE Select); coding-DNA position 3390, C replaced by T.
Protein change: p.Ser1130=; no amino-acid change (serine 1130 retained).
Molecular consequence: synonymous variant.
Genome position (GRCh38, 1-based): chr16:1,523,581, G>A on the plus strand (C>T on the coding strand, the complement: IFT140 is on the minus strand). VCF-style: chr16-1523581-G-A. GRCh37 (hg19) VCF-style: chr16-1573582-G-A.
Identifiers: ClinVar variation 318012 (VCV000318012.14), dbSNP rs765923171, ClinGen allele CA7813189.

ClinVar aggregate classification (germline): Conflicting classifications of pathogenicity. Review status: criteria provided, conflicting classifications (1 of 4 stars). 4 submissions from 4 submitters: Uncertain significance (1); Likely benign (3). Last evaluated 2025-12-05.

Conditions:
Saldino-Mainzer syndrome (SRTD9). Also called: short-rib thoracic dysplasia 9 with or without polydactyly; SHORT-RIB THORACIC DYSPLASIA 9 WITHOUT POLYDACTYLY; Renal dysplasia, retinal pigmentary dystrophy, cerebellar ataxia and skeletal dysplasia; CONORENAL SYNDROME. Identifiers: Orphanet 140969, MedGen C1849437, MONDO:0009964, OMIM 266920.
IFT140-related disorder. Also called: IFT140-related condition.

Allele frequency attached by ClinVar (database versions not stated): TOPMed below 0.00001; gnomAD exomes 0.00002 and 0.00003; ExAC 0.00003.
gnomAD v4.1: 37 of 1,613,770 alleles (0.0023%); highest among the groups gnomAD compares: Middle Eastern, 0.41%; 2 homozygotes.

Submissions (4):

PreventionGenetics, part of Exact Sciences
Classification: Likely benign for IFT140-related condition. Last evaluated: 2025-12-05. Review status: criteria provided, single submitter. Criteria: ACMG Guidelines, 2015. Collection method: clinical testing. Allele origin: germline.
Comment: This variant is classified as likely benign based on ACMG/AMP sequence variant interpretation guidelines (Richards et al. 2015 PMID: 25741868, with internal and published modifications).

Labcorp Genetics (formerly Invitae), Labcorp
Classification: Likely benign for Saldino-Mainzer syndrome. Last evaluated: 2025-02-13. Review status: criteria provided, single submitter. Criteria: Invitae Variant Classification Sherloc (09022015). Collection method: clinical testing. Allele origin: germline.

Blueprint Genetics
Classification: Likely benign. Last evaluated: 2024-02-16. Review status: criteria provided, single submitter. Criteria: ACMG Guidelines, 2015. Collection method: clinical testing. Allele origin: germline.

Illumina Laboratory Services, Illumina
Classification: Uncertain significance for Saldino-Mainzer syndrome. Last evaluated: 2018-01-13. Review status: criteria provided, single submitter. Criteria: ICSL Variant Classification Criteria 13 December 2019. Collection method: clinical testing. Allele origin: germline.